The following is an entry in ClinVar:

ClinVar aggregate classification (germline): Uncertain significance. Review status: criteria provided, multiple submitters, no conflicts (2 of 4 stars). 2 submissions from 2 submitters: Uncertain significance (2). Last evaluated 2025-07-15.

Conditions:
Developmental and epileptic encephalopathy, 36 (DEE36). Also called: ALG13-CDG; Epileptic encephalopathy, early infantile, 36; Congenital disorder of glycosylation, type Is. Identifiers: Orphanet 324422, MedGen C4317295, MONDO:0010472, OMIM 300884.

Allele frequency attached by ClinVar (database versions not stated): ExAC 0.00001.

Submissions (2):

GeneDx
Classification: Uncertain significance. Last evaluated: 2025-07-15. Review status: criteria provided, single submitter. Criteria: GeneDx Variant Classification Process June 2021. Collection method: clinical testing. Allele origin: germline. Affected: yes.
Comment: Has not been previously published as pathogenic or benign to our knowledge; In silico analysis is inconclusive as to whether the variant alters gene splicing. In the absence of RNA/functional studies, the actual effect of this sequence change is unknown.

Labcorp Genetics (formerly Invitae), Labcorp
Classification: Uncertain significance for Developmental and epileptic encephalopathy, 36. Last evaluated: 2023-01-01. Review status: criteria provided, single submitter. Criteria: Invitae Variant Classification Sherloc (09022015). Collection method: clinical testing. Allele origin: germline.
Comment: This variant has not been reported in the literature in individuals affected with ALG13-related conditions. In summary, the available evidence is currently insufficient to determine the role of this variant in disease. Therefore, it has been classified as a Variant of Uncertain Significance. Variants that disrupt the consensus splice site are a relatively common cause of aberrant splicing (PMID: 17576681, 9536098). Algorithms developed to predict the effect of sequence changes on RNA splicing suggest that this variant may disrupt the consensus splice site. This variant is present in population databases (rs769729341, gnomAD 0.008%). This sequence change affects codon 843 of the ALG13 mRNA. It is a 'silent' change, meaning that it does not change the encoded amino acid sequence of the ALG13 protein. This variant also falls at the last nucleotide of exon 22, which is part of the consensus splice site for this exon.

Literature cited by the submitters: PubMed 17576681 (cited by Labcorp Genetics (formerly Invitae), Labcorp); PubMed 9536098 (cited by Labcorp Genetics (formerly Invitae), Labcorp).

NM_001099922.3(ALG13):c.2529G>A (p.Lys843=)

Gene: ALG13 (ALG13 UDP-N-acetylglucosaminyltransferase subunit; plus strand). Cytogenetic location: Xq23.
Variant type: single nucleotide variant.
Coding change: c.2529G>A on transcript NM_001099922.3 (MANE Select); coding-DNA position 2529, G replaced by A.
Protein change: p.Lys843=; no amino-acid change (lysine 843 retained).
Molecular consequence: synonymous variant. On other transcripts: non-coding transcript variant (1).
Genome position (GRCh38, 1-based): chrX:111,735,122, G>A. VCF-style: chrX-111735122-G-A. GRCh37 (hg19) VCF-style: chrX-110978350-G-A.
Other names: c.2217G>A, p.Lys739= (NM_001257230.2, NM_001257234.2, NM_001257237.2); c.2295G>A, p.Lys765= (NM_001257231.2); c.2529G>A, p.Lys843= (NM_001324292.2); c.2043G>A, p.Lys681= (NM_001324293.1); c.2529G>A (NM_001099922.2).
Identifiers: ClinVar variation 2877573 (VCV002877573.4), dbSNP rs769729341, ClinGen allele CA10493920.